The following is an entry in ClinVar:

NM_030928.4(CDT1):c.1229C>T (p.Ala410Val)

Gene: CDT1 (chromatin licensing and DNA replication factor 1; plus strand). Cytogenetic location: 16q24.3.
Variant type: single nucleotide variant.
Coding change: c.1229C>T on transcript NM_030928.4 (MANE Select); coding-DNA position 1229, C replaced by T.
Protein change: p.Ala410Val; replaces alanine 410 with valine.
Molecular consequence: missense variant.
Genome position (GRCh38, 1-based): chr16:88,807,157, C>T. VCF-style: chr16-88807157-C-T. GRCh37 (hg19) VCF-style: chr16-88873565-C-T.
Other names: short protein forms A410V.
Identifiers: ClinVar variation 1492905 (VCV001492905.8), dbSNP rs2142945691, ClinGen allele CA397081632.

ClinVar aggregate classification (germline): Uncertain significance (1 of 4 stars; one submission).

Submission:

Labcorp Genetics (formerly Invitae), Labcorp
Classification: Uncertain significance. Last evaluated: 2021-05-20. Review status: criteria provided, single submitter. Criteria: Invitae Variant Classification Sherloc (09022015). Collection method: clinical testing. Allele origin: germline.
Comment: In summary, the available evidence is currently insufficient to determine the role of this variant in disease. Therefore, it has been classified as a Variant of Uncertain Significance. Algorithms developed to predict the effect of missense changes on protein structure and function output the following: SIFT: "Tolerated"; PolyPhen-2: "Benign"; Align-GVGD: "Class C0". The valine amino acid residue is found in multiple mammalian species, suggesting that this missense change does not adversely affect protein function. These predictions have not been confirmed by published functional studies and their clinical significance is uncertain. This variant has not been reported in the literature in individuals with CDT1-related conditions. This variant is not present in population databases (ExAC no frequency). This sequence change replaces alanine with valine at codon 410 of the CDT1 protein (p.Ala410Val). The alanine residue is moderately conserved and there is a small physicochemical difference between alanine and valine.